The following is an entry in ClinVar:

ClinVar aggregate classification (germline): Uncertain significance (1 of 4 stars; one submission).

Conditions:
DICER1-related tumor predisposition. Also called: DICER1 syndrome; DICER1-related pleuropulmonary blastoma cancer predisposition syndrome. Identifiers: Orphanet 284343, MedGen C3839822, MONDO:0100216.

Submission:

Labcorp Genetics (formerly Invitae), Labcorp
Classification: Uncertain significance for DICER1-related tumor predisposition. Last evaluated: 2020-02-20. Review status: criteria provided, single submitter. Criteria: Invitae Variant Classification Sherloc (09022015). Collection method: clinical testing. Allele origin: germline.
Comment: This variant is not present in population databases (ExAC no frequency). This sequence change replaces asparagine with histidine at codon 628 of the DICER1 protein (p.Asn628His). The asparagine residue is highly conserved and there is a small physicochemical difference between asparagine and histidine. This variant has not been reported in the literature in individuals with DICER1-related conditions. Algorithms developed to predict the effect of missense changes on protein structure and function are either unavailable or do not agree on the potential impact of this missense change (SIFT: "Tolerated"; PolyPhen-2: "Probably Damaging"; Align-GVGD: "Class C0"). In summary, the available evidence is currently insufficient to determine the role of this variant in disease. Therefore, it has been classified as a Variant of Uncertain Significance.

NM_177438.3(DICER1):c.1882A>C (p.Asn628His)

Gene: DICER1 (dicer 1, ribonuclease III; minus strand). Cytogenetic location: 14q32.13.
Variant type: single nucleotide variant.
Coding change: c.1882A>C on transcript NM_177438.3 (MANE Select); coding-DNA position 1882, A replaced by C.
Protein change: p.Asn628His; replaces asparagine 628 with histidine.
Molecular consequence: missense variant.
Genome position (GRCh38, 1-based): chr14:95,115,692, T>G on the plus strand (A>C on the coding strand, the complement: DICER1 is on the minus strand). VCF-style: chr14-95115692-T-G. GRCh37 (hg19) VCF-style: chr14-95582029-T-G.
Other names: c.1882A>C, p.Asn628His (NM_001195573.1, NM_001271282.3, NM_001291628.2 and 1 more transcripts); short protein forms N628H.
Identifiers: ClinVar variation 1035984 (VCV001035984.10), dbSNP rs1892377602, ClinGen allele CA390883931.